The following is an entry in ClinVar:

NM_001165963.4(SCN1A):c.4919T>G (p.Leu1640Arg)

Genes: SCN1A (sodium voltage-gated channel alpha subunit 1; minus strand), LOC102724058 (uncharacterized LOC102724058; plus strand). Cytogenetic location: 2q24.3.
Variant type: single nucleotide variant.
Coding change: c.4919T>G on transcript NM_001165963.4 (MANE Select); coding-DNA position 4919, T replaced by G.
Protein change: p.Leu1640Arg; replaces leucine 1640 with arginine.
Molecular consequence: missense variant. On other transcripts: non-coding transcript variant (1).
Genome position (GRCh38, 1-based): chr2:165,992,356, A>C on the plus strand (T>G on the coding strand, the complement: SCN1A is on the minus strand). VCF-style: chr2-165992356-A-C. GRCh37 (hg19) VCF-style: chr2-166848866-A-C.
Other names: c.4835T>G, p.Leu1612Arg (NM_001165964.3, NM_001353957.2, NM_001353958.2); c.4919T>G, p.Leu1640Arg (NM_001202435.3, NM_001353948.2); c.4886T>G, p.Leu1629Arg (NM_001353949.2, NM_001353950.2, NM_001353951.2 and 2 more transcripts); c.4883T>G, p.Leu1628Arg (NM_001353954.2, NM_001353955.2); c.4832T>G, p.Leu1611Arg (NM_001353960.2); c.2477T>G, p.Leu826Arg (NM_001353961.2); short protein forms L1611R, L1612R, L1628R, L1629R, L1640R, L826R.
Identifiers: ClinVar variation 4800258 (VCV004800258.1).

ClinVar aggregate classification (germline): Pathogenic (1 of 4 stars; one submission).

Conditions:
Early-infantile DEE. Also called: Early infantile epileptic encephalopathy with suppression bursts; Early infantile epileptic encephalopathy; Ohtahara syndrome. Identifiers: Orphanet 1934, MedGen C0393706, MONDO:0800491.

Submission:

Labcorp Genetics (formerly Invitae), Labcorp
Classification: Pathogenic for Early-infantile DEE. Last evaluated: 2025-11-17. Review status: criteria provided, single submitter. Criteria: Invitae Variant Classification Sherloc (09022015). Collection method: clinical testing. Allele origin: germline.
Comment: This sequence change replaces leucine, which is neutral and non-polar, with arginine, which is basic and polar, at codon 1640 of the SCN1A protein (p.Leu1640Arg). This variant is not present in population databases (gnomAD no frequency). This missense change has been observed in individual(s) with SCN1A-related conditions (internal data). In at least one individual the variant was observed to be de novo. Invitae Evidence Modeling of protein sequence and biophysical properties (such as structural, functional, and spatial information, amino acid conservation, physicochemical variation, residue mobility, and thermodynamic stability) indicates that this missense variant is expected to disrupt SCN1A protein function with a positive predictive value of 95%. For these reasons, this variant has been classified as Pathogenic.